The following is an entry in ClinVar:

ClinVar aggregate classification (germline): Uncertain significance (1 of 4 stars; one submission).

Conditions:
Agammaglobulinemia 2, autosomal recessive (AGM2). Also called: AGAMMAGLOBULINEMIA, AUTOSOMAL RECESSIVE, DUE TO IGLL1 DEFECT. Identifiers: MedGen C3150750, MONDO:0013287, OMIM 613500.

Allele frequency attached by ClinVar (database versions not stated): ExAC 0.00002; gnomAD 0.00002; TOPMed 0.00004.

Submission:

Labcorp Genetics (formerly Invitae), Labcorp
Classification: Uncertain significance for Agammaglobulinemia 2, autosomal recessive. Last evaluated: 2023-08-20. Review status: criteria provided, single submitter. Criteria: Invitae Variant Classification Sherloc (09022015). Collection method: clinical testing. Allele origin: germline.
Comment: In summary, the available evidence is currently insufficient to determine the role of this variant in disease. Therefore, it has been classified as a Variant of Uncertain Significance. An algorithm developed to predict the effect of missense changes on protein structure and function (PolyPhen-2) suggests that this variant is likely to be disruptive. This variant has not been reported in the literature in individuals affected with IGLL1-related conditions. This variant is present in population databases (no rsID available, gnomAD 0.006%). This sequence change replaces asparagine, which is neutral and polar, with lysine, which is basic and polar, at codon 171 of the IGLL1 protein (p.Asn171Lys).

NM_020070.4(IGLL1):c.513C>G (p.Asn171Lys)

Gene: IGLL1 (immunoglobulin lambda like polypeptide 1; minus strand). Cytogenetic location: 22q11.23.
Variant type: single nucleotide variant.
Coding change: c.513C>G on transcript NM_020070.4 (MANE Select); coding-DNA position 513, C replaced by G.
Protein change: p.Asn171Lys; replaces asparagine 171 with lysine.
Molecular consequence: missense variant. On other transcripts: 3 prime UTR variant (1).
Genome position (GRCh38, 1-based): chr22:23,573,395, G>C on the plus strand (C>G on the coding strand, the complement: IGLL1 is on the minus strand). VCF-style: chr22-23573395-G-C. GRCh37 (hg19) VCF-style: chr22-23915582-G-C.
Other names: c.516C>G, p.Asn172Lys (NM_001369906.1); c.*142C>G (NM_152855.3); short protein forms N172K, N171K.
Identifiers: ClinVar variation 2713681 (VCV002713681.3), dbSNP rs1482612078, ClinGen allele CA10143246.